The following is an entry in ClinVar:

NM_018136.5(ASPM):c.794A>G (p.Asn265Ser)

Gene: ASPM (assembly factor for spindle microtubules; minus strand). Cytogenetic location: 1q31.3.
Variant type: single nucleotide variant.
Coding change: c.794A>G on transcript NM_018136.5 (MANE Select); coding-DNA position 794, A replaced by G.
Protein change: p.Asn265Ser; replaces asparagine 265 with serine.
Molecular consequence: missense variant.
Genome position (GRCh38, 1-based): chr1:197,143,458, T>C on the plus strand (A>G on the coding strand, the complement: ASPM is on the minus strand). VCF-style: chr1-197143458-T-C. GRCh37 (hg19) VCF-style: chr1-197112588-T-C.
Other names: c.794A>G, p.Asn265Ser (NM_001206846.2); short protein forms N265S.
Identifiers: ClinVar variation 3670784 (VCV003670784.2).

ClinVar aggregate classification (germline): Uncertain significance (1 of 4 stars; one submission).

gnomAD v4.1: 14 of 1,614,076 alleles (0.00087%); highest among the groups gnomAD compares: Admixed American, 0.0017%; no homozygotes.

Submission:

Labcorp Genetics (formerly Invitae), Labcorp
Classification: Uncertain significance. Last evaluated: 2024-11-18. Review status: criteria provided, single submitter. Criteria: Invitae Variant Classification Sherloc (09022015). Collection method: clinical testing. Allele origin: germline.
Comment: This sequence change replaces asparagine, which is neutral and polar, with serine, which is neutral and polar, at codon 265 of the ASPM protein (p.Asn265Ser). This variant is present in population databases (no rsID available, gnomAD 0.003%). This variant has not been reported in the literature in individuals affected with ASPM-related conditions. Invitae Evidence Modeling of protein sequence and biophysical properties (such as structural, functional, and spatial information, amino acid conservation, physicochemical variation, residue mobility, and thermodynamic stability) indicates that this missense variant is not expected to disrupt ASPM protein function with a negative predictive value of 80%. In summary, the available evidence is currently insufficient to determine the role of this variant in disease. Therefore, it has been classified as a Variant of Uncertain Significance.